The following is an entry in ClinVar:

ClinVar aggregate classification (germline): Uncertain significance. Review status: criteria provided, single submitter (1 of 4 stars). 2 submissions from 2 submitters: Uncertain significance (1). 1 of the submissions does not count toward it. Last evaluated 2022-02-12.

Conditions:
Prostate cancer, hereditary, 1 (HPC1). Identifiers: Orphanet 1331, MedGen C4722327, MONDO:0011098, OMIM 601518.

Submissions (2):

Labcorp Genetics (formerly Invitae), Labcorp
Classification: Uncertain significance. Last evaluated: 2022-02-12. Review status: criteria provided, single submitter. Criteria: Invitae Variant Classification Sherloc (09022015). Collection method: clinical testing. Allele origin: germline.
Comment: In summary, the available evidence is currently insufficient to determine the role of this variant in disease. Therefore, it has been classified as a Variant of Uncertain Significance. Algorithms developed to predict the effect of missense changes on protein structure and function (SIFT, PolyPhen-2, Align-GVGD) all suggest that this variant is likely to be tolerated. ClinVar contains an entry for this variant (Variation ID: 691118). This variant has not been reported in the literature in individuals affected with HOXB13-related conditions. This variant is not present in population databases (gnomAD no frequency). This sequence change replaces proline, which is neutral and non-polar, with serine, which is neutral and polar, at codon 207 of the HOXB13 protein (p.Pro207Ser).

Laboratory of Virology, Microbiology,  Quality and Medical Biotechnologies, Faculty of Sciences and Techniques - Mohammedia, Hassan II University of Casablanca
Classification: Uncertain significance for Prostate cancer, hereditary, 1. Review status: no assertion criteria provided. Collection method: clinical testing. Allele origin: somatic. Affected: yes. Not counted in ClinVar's aggregate classification.

NM_006361.6(HOXB13):c.619C>T (p.Pro207Ser)

Gene: HOXB13 (homeobox B13; minus strand). Cytogenetic location: 17q21.32.
Variant type: single nucleotide variant.
Coding change: c.619C>T on transcript NM_006361.6 (MANE Select); coding-DNA position 619, C replaced by T.
Protein change: p.Pro207Ser; replaces proline 207 with serine.
Molecular consequence: missense variant.
Genome position (GRCh38, 1-based): chr17:48,727,026, G>A on the plus strand (C>T on the coding strand, the complement: HOXB13 is on the minus strand). VCF-style: chr17-48727026-G-A. GRCh37 (hg19) VCF-style: chr17-46804388-G-A.
Other names: short protein forms P207S.
Identifiers: ClinVar variation 691118 (VCV000691118.6), dbSNP rs1597933009, ClinGen allele CA400107040.